The following is an entry in ClinVar:

NM_019023.5(PRMT7):c.796C>T (p.Arg266Trp)

Gene: PRMT7 (protein arginine methyltransferase 7; plus strand). Cytogenetic location: 16q22.1.
Variant type: single nucleotide variant.
Coding change: c.796C>T on transcript NM_019023.5 (MANE Select); coding-DNA position 796, C replaced by T.
Protein change: p.Arg266Trp; replaces arginine 266 with tryptophan.
Molecular consequence: missense variant. On other transcripts: non-coding transcript variant (12).
Genome position (GRCh38, 1-based): chr16:68,339,837, C>T. VCF-style: chr16-68339837-C-T. GRCh37 (hg19) VCF-style: chr16-68373740-C-T.
Other names: c.646C>T, p.Arg216Trp (NM_001184824.4); c.796C>T, p.Arg266Trp (NM_001290018.2, NM_001351143.3, NM_001351144.3 and 1 more transcripts); c.589C>T, p.Arg197Trp (NM_001378020.1); c.559C>T, p.Arg187Trp (NM_001378021.1, NM_001378022.1, NM_001378023.1); short protein forms R197W, R216W, R266W, R187W.
Identifiers: ClinVar variation 3783461 (VCV003783461.3).

ClinVar aggregate classification (germline): Uncertain significance. Review status: criteria provided, multiple submitters, no conflicts (2 of 4 stars). 3 submissions from 3 submitters: Uncertain significance (3). Last evaluated 2026-06-15.

Conditions:
Inborn genetic diseases. Identifiers: MedGen C0950123, MeSH D030342.

gnomAD v4.1: 29 of 1,613,940 alleles (0.0018%); highest among the groups gnomAD compares: African/African-American, 0.027%; no homozygotes.

Submissions (3):

Women's Health and Genetics/Laboratory Corporation of America, LabCorp
Classification: Uncertain significance. Last evaluated: 2026-06-15. Review status: criteria provided, single submitter. Criteria: LabCorp Variant Classification Summary - May 2015. Collection method: clinical testing. Allele origin: germline.
Comment: Variant summary: PRMT7 c.796C>T (p.Arg266Trp) results in a non-conservative amino acid change in the encoded protein sequence. Algorithms developed to predict the effect of missense changes on protein structure and function are either unavailable or do not agree on the potential impact of this missense change. The variant allele was found at a frequency of 2e-05 in 251324 control chromosomes. The available data on variant occurrences in the general population are insufficient to allow any conclusion about variant significance. To our knowledge, no occurrence of c.796C>T in individuals affected with PRMT7-related conditions and no experimental evidence demonstrating its impact on protein function have been reported. ClinVar contains an entry for this variant (Variation ID: 3783461). Based on the evidence outlined above, the variant was classified as uncertain significance.

Ambry Genetics
Classification: Uncertain significance for Inborn genetic diseases. Last evaluated: 2025-01-27. Review status: criteria provided, single submitter. Criteria: Ambry Variant Classification Scheme 2023. Collection method: clinical testing. Allele origin: germline.

GeneDx
Classification: Uncertain significance. Last evaluated: 2024-11-18. Review status: criteria provided, single submitter. Criteria: GeneDx Variant Classification Process June 2021. Collection method: clinical testing. Allele origin: germline. Affected: yes.
Comment: In silico analysis supports that this missense variant has a deleterious effect on protein structure/function; Has not been previously published as pathogenic or benign to our knowledge